The following is an entry in ClinVar:

NM_001927.4(DES):c.131G>C (p.Gly44Ala)

Gene: DES (desmin; plus strand). Cytogenetic location: 2q35.
Variant type: single nucleotide variant.
Coding change: c.131G>C on transcript NM_001927.4 (MANE Select); coding-DNA position 131, G replaced by C.
Protein change: p.Gly44Ala; replaces glycine 44 with alanine.
Molecular consequence: missense variant.
Genome position (GRCh38, 1-based): chr2:219,418,593, G>C. VCF-style: chr2-219418593-G-C. GRCh37 (hg19) VCF-style: chr2-220283315-G-C.
Other names: c.131G>C, p.Gly44Ala (NM_001382708.1, NM_001382709.1, NM_001382710.1 and 3 more transcripts); short protein forms G44A.
Identifiers: ClinVar variation 4842668 (VCV004842668.1).

ClinVar aggregate classification (germline): Uncertain significance (1 of 4 stars; one submission).

Conditions:
Cardiovascular phenotype. Identifiers: MedGen CN230736.

Submission:

Ambry Genetics
Classification: Uncertain significance for Cardiovascular phenotype. Last evaluated: 2025-12-31. Review status: criteria provided, single submitter. Criteria: Ambry Variant Classification Scheme 2023. Collection method: clinical testing. Allele origin: germline.
Comment: The p.G44A variant (also known as c.131G>C), located in coding exon 1 of the DES gene, results from a G to C substitution at nucleotide position 131. The glycine at codon 44 is replaced by alanine, an amino acid with similar properties. This amino acid position is not well conserved in available vertebrate species. In addition, this alteration is predicted to be tolerated by in silico analysis. Based on the available evidence, the clinical significance of this variant remains unclear.